The following is an entry in ClinVar:

NC_012920.1(MT-CO1):m.7374A>G

Gene: MT-CO1 (mitochondrially encoded cytochrome c oxidase I; plus strand).
Variant type: single nucleotide variant.
Genome position: chrM-7374-A-G.
Identifiers: ClinVar variation 692740 (VCV000692740.1), dbSNP rs1603220927, ClinGen allele CA414792616.

ClinVar aggregate classification (germline): Uncertain significance (1 of 4 stars; one submission).

Conditions:
Leigh syndrome (NULS). Also called: Leigh's necrotizing encephalopathy; Leigh's disease; Leigh Syndrome (mtDNA deletion); Leigh Disease; Subacute necrotizing encephalopathy; Necrotizing encephalopathy infantile subacute of Leigh. Identifiers: Orphanet 506, MedGen C2931891, MONDO:0009723, OMIM 256000.

Submission:

Wong Mito Lab, Molecular and Human Genetics, Baylor College of Medicine
Classification: Uncertain significance for Leigh syndrome. Last evaluated: 2019-10-17. Review status: criteria provided, single submitter. Criteria: Modified ACMG Guidelines (Unpublished). Collection method: clinical testing. Allele origin: germline.
Comment: The NC_012920.1:m.7374A>G (YP_003024028.1:p.Asn491Asp) variant in MTCO1 gene is interpretated to be a Uncertain Significance variant based on the modified ACMG guidelines (unpublished). This variant meets the following evidence codes: PP4